The following is an entry in ClinVar:

ClinVar aggregate classification (germline): Uncertain significance (1 of 4 stars; one submission).

Conditions:
Transcobalamin I deficiency (TCN1D). Also called: TCN1 DEFICIENCY; COBALAMIN PSEUDODEFICIENCY DUE TO TRANSCOBALAMIN DEFICIENCY; COBALAMIN R BINDER PROTEIN DEFICIENCY. Identifiers: Orphanet 2967, MedGen C0342700, MONDO:0008659, OMIM 193090.

Allele frequency attached by ClinVar (database versions not stated): gnomAD exomes below 0.00001; gnomAD 0.00001; ExAC 0.00002.
gnomAD v4.1: 1 of 1,613,710 alleles (0.000062%); highest among the groups gnomAD compares: East Asian, 0.0022%; no homozygotes.

Submission:

Labcorp Genetics (formerly Invitae), Labcorp
Classification: Uncertain significance for Transcobalamin I deficiency. Last evaluated: 2020-03-29. Review status: criteria provided, single submitter. Criteria: Invitae Variant Classification Sherloc (09022015). Collection method: clinical testing. Allele origin: germline.
Comment: In summary, the available evidence is currently insufficient to determine the role of this variant in disease. Therefore, it has been classified as a Variant of Uncertain Significance. This sequence change replaces serine with arginine at codon 243 of the TCN1 protein (p.Ser243Arg). The serine residue is highly conserved and there is a moderate physicochemical difference between serine and arginine. This variant is present in population databases (rs751144850, ExAC 0.02%). This variant has not been reported in the literature in individuals with TCN1-related conditions. Algorithms developed to predict the effect of missense changes on protein structure and function are either unavailable or do not agree on the potential impact of this missense change (SIFT: "Deleterious"; PolyPhen-2: "Probably Damaging"; Align-GVGD: "Class C0").

NM_001062.4(TCN1):c.727A>C (p.Ser243Arg)

Gene: TCN1 (transcobalamin 1; minus strand). Cytogenetic location: 11q12.1.
Variant type: single nucleotide variant.
Coding change: c.727A>C on transcript NM_001062.4 (MANE Select); coding-DNA position 727, A replaced by C.
Protein change: p.Ser243Arg; replaces serine 243 with arginine.
Molecular consequence: missense variant.
Genome position (GRCh38, 1-based): chr11:59,859,097, T>G on the plus strand (A>C on the coding strand, the complement: TCN1 is on the minus strand). VCF-style: chr11-59859097-T-G. GRCh37 (hg19) VCF-style: chr11-59626570-T-G.
Other names: short protein forms S243R.
Identifiers: ClinVar variation 1025075 (VCV001025075.8), dbSNP rs751144850, ClinGen allele CA6021934.